The following is an entry in ClinVar:

NM_001165963.4(SCN1A):c.5144T>C (p.Ile1715Thr)

Genes: SCN1A (sodium voltage-gated channel alpha subunit 1; minus strand), LOC102724058 (uncharacterized LOC102724058; plus strand). Cytogenetic location: 2q24.3.
Variant type: single nucleotide variant.
Coding change: c.5144T>C on transcript NM_001165963.4 (MANE Select); coding-DNA position 5144, T replaced by C.
Protein change: p.Ile1715Thr; replaces isoleucine 1715 with threonine.
Molecular consequence: missense variant. On other transcripts: non-coding transcript variant (1).
Genome position (GRCh38, 1-based): chr2:165,992,131, A>G on the plus strand (T>C on the coding strand, the complement: SCN1A is on the minus strand). VCF-style: chr2-165992131-A-G. GRCh37 (hg19) VCF-style: chr2-166848641-A-G.
Other names: c.5060T>C, p.Ile1687Thr (NM_001165964.3, NM_001353957.2, NM_001353958.2); c.5144T>C, p.Ile1715Thr (NM_001202435.3, NM_001353948.2); c.5111T>C, p.Ile1704Thr (NM_001353949.2, NM_001353950.2, NM_001353951.2 and 2 more transcripts); c.5108T>C, p.Ile1703Thr (NM_001353954.2, NM_001353955.2); c.5057T>C, p.Ile1686Thr (NM_001353960.2); c.2702T>C, p.Ile901Thr (NM_001353961.2); short protein forms I1686T, I1687T, I1703T, I1704T, I1715T, I901T.
Identifiers: ClinVar variation 1714392 (VCV001714392.5), dbSNP rs2468336838, ClinGen allele CA349068941.

ClinVar aggregate classification (germline): Uncertain significance (1 of 4 stars; one submission).

Conditions:
Early-infantile DEE. Also called: Early infantile epileptic encephalopathy with suppression bursts; Early infantile epileptic encephalopathy; Ohtahara syndrome. Identifiers: Orphanet 1934, MedGen C0393706, MONDO:0800491.

Submission:

Labcorp Genetics (formerly Invitae), Labcorp
Classification: Uncertain significance for Early-infantile DEE. Last evaluated: 2022-07-30. Review status: criteria provided, single submitter. Criteria: Invitae Variant Classification Sherloc (09022015). Collection method: clinical testing. Allele origin: germline.
Comment: In summary, the available evidence is currently insufficient to determine the role of this variant in disease. Therefore, it has been classified as a Variant of Uncertain Significance. Advanced modeling of protein sequence and biophysical properties (such as structural, functional, and spatial information, amino acid conservation, physicochemical variation, residue mobility, and thermodynamic stability) performed at Invitae indicates that this missense variant is expected to disrupt SCN1A protein function. This variant has not been reported in the literature in individuals affected with SCN1A-related conditions. This variant is not present in population databases (gnomAD no frequency). This sequence change replaces isoleucine, which is neutral and non-polar, with threonine, which is neutral and polar, at codon 1715 of the SCN1A protein (p.Ile1715Thr).